The following continues an entry in ClinVar:

NM_001267550.2(TTN):c.100400T>G (p.Val33467Gly)

ClinVar aggregate classification (germline): Conflicting classifications of pathogenicity. Uncertain significance (14); Benign (2); Likely benign (6).

Submissions 17 to 25 of 25:

Illumina Laboratory Services, Illumina
Classification: Uncertain significance for Autosomal recessive limb-girdle muscular dystrophy type 2J. Last evaluated: 2018-01-12. Review status: criteria provided, single submitter. Criteria: ICSL Variant Classification Criteria 13 December 2019. Collection method: clinical testing. Allele origin: germline.

Illumina Laboratory Services, Illumina
Classification: Uncertain significance for Early-onset myopathy with fatal cardiomyopathy. Last evaluated: 2018-01-12. Review status: criteria provided, single submitter. Criteria: ICSL Variant Classification Criteria 13 December 2019. Collection method: clinical testing. Allele origin: germline.

Illumina Laboratory Services, Illumina
Classification: Benign for Tibial muscular dystrophy. Last evaluated: 2018-01-12. Review status: criteria provided, single submitter. Criteria: ICSL Variant Classification Criteria 13 December 2019. Collection method: clinical testing. Allele origin: germline.
Comment: This variant was observed in the ICSL laboratory as part of a predisposition screen in an ostensibly healthy population. It had not been previously curated by ICSL or reported in the Human Gene Mutation Database (HGMD: prior to June 1st, 2018), and was therefore a candidate for classification through an automated scoring system. Utilizing variant allele frequency, disease prevalence and penetrance estimates, and inheritance mode, an automated score was calculated to assess if this variant is too frequent to cause the disease. Based on the score and internal cut-off values, a variant classified as benign is not then subjected to further curation. The score for this variant resulted in a classification of benign for this disease.

Labcorp Genetics (formerly Invitae), Labcorp
Classification: Uncertain significance for Dilated cardiomyopathy 1G; Autosomal recessive limb-girdle muscular dystrophy type 2J. Last evaluated: 2017-10-30. Review status: criteria provided, single submitter. Criteria: Invitae Variant Classification Sherloc (09022015). Collection method: clinical testing. Allele origin: germline.

CHEO Genetics Diagnostic Laboratory, Children's Hospital of Eastern Ontario
Classification: Uncertain significance for Cardiomyopathy. Last evaluated: 2017-07-14. Review status: criteria provided, single submitter. Criteria: ACMG Guidelines, 2015. Collection method: clinical testing. Allele origin: germline. Study: Canadian Open Genetics Repository.

Laboratory for Molecular Medicine, Mass General Brigham Personalized Medicine
Classification: Uncertain significance. Last evaluated: 2014-12-23. Review status: criteria provided, single submitter. Criteria: LMM Criteria. Collection method: clinical testing. Allele origin: germline. Observed: 5 variant alleles.
Comment: The p.Val30899Gly variant has also been identified in 40/ 67148 European chromosomes by the Exome Aggregation Consortium (ExAC; dbSNP rs200166942). Computational prediction tools and con servation analysis do not provide strong support for or against an impact to the protein. In summary, the clinical significance of the p.Val30899Gly variant is uncertain.

Clinical Genetics DNA and cytogenetics Diagnostics Lab, Erasmus MC, Erasmus Medical Center
Classification: Uncertain significance. Review status: no assertion criteria provided. Collection method: clinical testing. Allele origin: germline. Affected: yes. Study: VKGL Data-share Consensus. Not counted in ClinVar's aggregate classification.

Clinical Genetics, Academic Medical Center
Classification: Uncertain significance. Review status: no assertion criteria provided. Collection method: clinical testing. Allele origin: germline. Affected: yes. Study: VKGL Data-share Consensus. Not counted in ClinVar's aggregate classification.

Diagnostic Laboratory, Department of Genetics, University Medical Center Groningen
Classification: Uncertain significance. Review status: no assertion criteria provided. Collection method: clinical testing. Allele origin: germline. Affected: yes. Study: VKGL Data-share Consensus. Not counted in ClinVar's aggregate classification.

Literature cited by the submitters: PubMed 28771489 (cited by Women's Health and Genetics/Laboratory Corporation of America, LabCorp); PubMed 26627873 (cited by 3 submitters); PubMed 37199186 (cited by Women's Health and Genetics/Laboratory Corporation of America, LabCorp); PubMed 38689299 (cited by Women's Health and Genetics/Laboratory Corporation of America, LabCorp); PubMed 29590070 (cited by Ambry Genetics); PubMed 31215789 (cited by Ambry Genetics).